The following is an entry in ClinVar:

ClinVar aggregate classification (germline): Pathogenic. Review status: reviewed by expert panel (3 of 4 stars). 2 submissions from 2 submitters: Pathogenic (1). 1 of the submissions does not count toward it. Last evaluated 2016-10-18.

Conditions:
Breast-ovarian cancer, familial, susceptibility to, 2 (BROVCA2). Also called: BRCA2 Hereditary Breast and Ovarian Cancer. Identifiers: Orphanet 145, MedGen C2675520, MONDO:0012933, OMIM 612555. Disease mechanism: loss of function.

Submissions (2):

Evidence-based Network for the Interpretation of Germline Mutant Alleles (ENIGMA)
Classification: Pathogenic for Breast-ovarian cancer, familial, susceptibility to, 2. Last evaluated: 2016-10-18. Review status: reviewed by expert panel. Criteria: ENIGMA BRCA1/2 Classification Criteria (2015). Collection method: curation. Allele origin: germline.
Comment: Variant allele predicted to encode a truncated non-functional protein.

Consortium of Investigators of Modifiers of BRCA1/2 (CIMBA), c/o University of Cambridge
Classification: Pathogenic for Breast-ovarian cancer, familial, susceptibility to, 2. Last evaluated: 2015-10-02. Review status: criteria provided, single submitter. Criteria: CIMBA Mutation Classification guidelines May 2016. Collection method: clinical testing. Allele origin: germline. Not counted in ClinVar's aggregate classification.

NC_000013.11:g.32379902delinsTACT

Gene: BRCA2 (BRCA2 DNA repair associated; plus strand). Cytogenetic location: 13q13.1.
Variant type: Indel.
Genome position: GRCh38 VCF-style: chr13-32379902-C-TACT. GRCh37 (hg19) VCF-style: chr13-32954039-C-TACT.
Other names: 9334delCinsTACT; c.9106delinsTACT, p.Gln3036delinsTyrTer (LRG_293t1).
Identifiers: ClinVar variation 267140 (VCV000267140.5), dbSNP rs886040820, ClinGen allele CA10589548.